The following is an entry in ClinVar:

NM_001384910.1(GUCA1A):c.575G>A (p.Gly192Glu)

Genes: GUCA1ANB-GUCA1A (GUCA1ANB-GUCA1A readthrough; plus strand), GUCA1A (guanylate cyclase activator 1A; plus strand). Cytogenetic location: 6p21.1.
Variant type: single nucleotide variant.
Coding change: c.575G>A on transcript NM_001384910.1 (MANE Select); coding-DNA position 575, G replaced by A.
Protein change: p.Gly192Glu; replaces glycine 192 with glutamic acid.
Molecular consequence: missense variant.
Genome position (GRCh38, 1-based): chr6:42,179,372, G>A. VCF-style: chr6-42179372-G-A. GRCh37 (hg19) VCF-style: chr6-42147110-G-A.
Other names: c.575G>A, p.Gly192Glu (NM_000409.5, NM_001319061.2, NM_001319062.2); short protein forms G192E.
Identifiers: ClinVar variation 1017031 (VCV001017031.10), dbSNP rs781564963, ClinGen allele CA3805448.
Genomic context (GRCh38, chr6:42,179,372, plus strand): 5'-GAAGCCTGGACCTTACCCGCATCGTGCGCAGGCTCCAGAATGGCGAGCAAGACGAGGAGG[G>A]GGCTGACGAGGCCGCTGAGGCAGCCGGCTGAGTGCACCGCCCGGCTGCTTCTGCACTAGC-3'
Protein context (NP_001371839.1, residues 182-201): RLQNGEQDEE[Gly192Glu]ADEAAEAAG

ClinVar aggregate classification (germline): Uncertain significance. Review status: criteria provided, multiple submitters, no conflicts (2 of 4 stars). 2 submissions from 2 submitters: Uncertain significance (2). Last evaluated 2025-10-25.

Conditions:
Inborn genetic diseases. Identifiers: MedGen C0950123, MeSH D030342.

Allele frequency attached by ClinVar (database versions not stated): gnomAD 0.00002.
gnomAD v4.1: 65 of 1,608,148 alleles (0.004%); highest among the groups gnomAD compares: Non-Finnish European, 0.0053%; no homozygotes.

Submissions (2):

Labcorp Genetics (formerly Invitae), Labcorp
Classification: Uncertain significance. Last evaluated: 2025-10-25. Review status: criteria provided, single submitter. Criteria: Invitae Variant Classification Sherloc (09022015). Collection method: clinical testing. Allele origin: germline.
Comment: This sequence change replaces glycine, which is neutral and non-polar, with glutamic acid, which is acidic and polar, at codon 192 of the GUCA1A protein (p.Gly192Glu). This variant is present in population databases (rs781564963, gnomAD 0.005%). This variant has not been reported in the literature in individuals affected with GUCA1A-related conditions. ClinVar contains an entry for this variant (Variation ID: 1017031). An algorithm developed to predict the effect of missense changes on protein structure and function outputs the following: PolyPhen-2: "Not Available". The glutamic acid amino acid residue is found in multiple mammalian species, which suggests that this missense change does not adversely affect protein function. In summary, the available evidence is currently insufficient to determine the role of this variant in disease. Therefore, it has been classified as a Variant of Uncertain Significance.

Ambry Genetics
Classification: Uncertain significance for Inborn genetic diseases. Last evaluated: 2023-04-25. Review status: criteria provided, single submitter. Criteria: Ambry Variant Classification Scheme 2023. Collection method: clinical testing. Allele origin: germline.